The following is an entry in ClinVar:

NM_001267550.2(TTN):c.46668_46671del (p.Glu15557fs)

Genes: TTN (titin; minus strand), TTN-AS1 (TTN antisense RNA 1; plus strand). Cytogenetic location: 2q31.2.
Variant type: Deletion.
Coding change: c.46668_46671del on transcript NM_001267550.2 (MANE Select); coding-DNA positions 46668 to 46671, 4 bases deleted (AGAA; older notation c.46668_46671delAGAA).
Protein change: p.Glu15557fs; shifts the reading frame from glutamic acid 15557.
Molecular consequence: frameshift variant.
Genome position (GRCh38, 1-based): chr2:178,619,646-178,619,649, TTCT deleted on the plus strand (AGAA on the coding strand, the reverse complement: TTN is on the minus strand); deleting any 4 consecutive bases within chr2:178,619,646-178,619,651 gives the same sequence; the c. name uses the placement nearest the transcript's 3' end. VCF-style (leftmost placement, unchanged base first): chr2-178619645-CTTCT-C. GRCh37 (hg19) VCF-style: chr2-179484372-CTTCT-C.
Other names: c.41745_41748del, p.Glu13916fs (NM_001256850.1); c.19473_19476del, p.Glu6492fs (NM_003319.4); c.38964_38967del, p.Glu12989fs (NM_133378.4); c.19848_19851del, p.Glu6617fs (NM_133432.3); c.20049_20052del, p.Glu6684fs (NM_133437.4); c.19473_19476delAGAA (NM_003319.4); short protein forms E15557fs, E6617fs, E13916fs, E6492fs, E12989fs, E6684fs.
Identifiers: ClinVar variation 2066515 (VCV002066515.6), dbSNP rs2470968919, ClinGen allele CA2577171309.

ClinVar aggregate classification (germline): Likely pathogenic. Review status: criteria provided, multiple submitters, no conflicts (2 of 4 stars). 2 submissions from 2 submitters: Likely pathogenic (2). Last evaluated 2026-01-11.

Conditions:
Cardiovascular phenotype. Identifiers: MedGen CN230736.
Dilated cardiomyopathy 1G (CMD1G). Identifiers: Orphanet 154, MedGen C1858763, MONDO:0011400, OMIM 604145.
Autosomal recessive limb-girdle muscular dystrophy type 2J (LGMDR10). Also called: Limb-girdle muscular dystrophy, type 2J; MUSCULAR DYSTROPHY, LIMB-GIRDLE, AUTOSOMAL RECESSIVE 10. Identifiers: Orphanet 140922, MedGen C1837342, MONDO:0012127, OMIM 608807.

Submissions (2):

Labcorp Genetics (formerly Invitae), Labcorp
Classification: Likely pathogenic for Dilated cardiomyopathy 1G; Autosomal recessive limb-girdle muscular dystrophy type 2J. Last evaluated: 2026-01-11. Review status: criteria provided, single submitter. Criteria: Invitae Variant Classification Sherloc (09022015). Collection method: clinical testing. Allele origin: germline.
Comment: This sequence change creates a premature translational stop signal (p.Glu15557Profs*28) in the TTN gene. While this is not anticipated to result in nonsense mediated decay, it is expected to create a truncated TTN protein. This variant is not present in population databases (gnomAD no frequency). This variant has not been reported in the literature in individuals affected with TTN-related conditions. ClinVar contains an entry for this variant (Variation ID: 2066515). This variant is located in the I band of TTN (PMID: 25589632). Truncating variants in this region have been reported in individuals affected with autosomal recessive centronuclear myopathy (PMID: 23975875, internal data). Truncating variants in this region have also been identified in individuals affected with autosomal dominant dilated cardiomyopathy and/or cardio-related conditions (PMID: 27869827, 32964742, internal data). In summary, the currently available evidence indicates that the variant is pathogenic, but additional data are needed to prove that conclusively. Therefore, this variant has been classified as Likely Pathogenic.

Ambry Genetics
Classification: Likely pathogenic for Cardiovascular phenotype. Last evaluated: 2022-11-22. Review status: criteria provided, single submitter. Criteria: Ambry Variant Classification Scheme 2023. Collection method: clinical testing. Allele origin: germline.
Comment: The c.19473_19476delAGAA variant, located in coding exon 77 of the TTN gene, results from a deletion of 4 nucleotides at nucleotide positions 19473 to 19476, causing a translational frameshift with a predicted alternate stop codon (p.E6492Pfs*28). This exon is located in the I-band region of the N2-B isoform of the titin protein and is constitutively expressed in TTN transcripts (percent spliced in or PSI 100%). This variant is considered to be rare based on population cohorts in the Genome Aggregation Database (gnomAD). This alteration is expected to result in loss of function by premature protein truncation or nonsense-mediated mRNA decay. While truncating variants in TTN are present in 1-3% of the general population, truncating variants in the A-band are the most common cause of dilated cardiomyopathy (DCM) (Herman DS et al. N. Engl. J. Med., 2012 Feb;366:619-28; Roberts AM et al. Sci Transl Med, 2015 Jan;7:270ra6). TTN truncating variants encoded in constitutive exons (PSI >90%) have been found to be significantly associated with DCM regardless of their position in titin (Schafer S et al. Nat. Genet., 2017 01;49:46-53). Based on the majority of available evidence to date, this variant is likely to be pathogenic.

Literature cited by the submitters: PubMed 25589632 (cited by Labcorp Genetics (formerly Invitae), Labcorp); PubMed 23975875 (cited by Labcorp Genetics (formerly Invitae), Labcorp); PubMed 27869827 (cited by Labcorp Genetics (formerly Invitae), Labcorp); PubMed 32964742 (cited by Labcorp Genetics (formerly Invitae), Labcorp).